The following is an entry in ClinVar:

NM_016188.5(ACTL6B):c.1094T>C (p.Leu365Pro)

Gene: ACTL6B (actin like 6B; minus strand). Cytogenetic location: 7q22.1.
Variant type: single nucleotide variant.
Coding change: c.1094T>C on transcript NM_016188.5 (MANE Select); coding-DNA position 1094, T replaced by C.
Protein change: p.Leu365Pro; replaces leucine 365 with proline.
Molecular consequence: missense variant. On other transcripts: non-coding transcript variant (1).
Genome position (GRCh38, 1-based): chr7:100,646,570, A>G on the plus strand (T>C on the coding strand, the complement: ACTL6B is on the minus strand). VCF-style: chr7-100646570-A-G. GRCh37 (hg19) VCF-style: chr7-100244193-A-G.
Other names: short protein forms L365P.
Identifiers: ClinVar variation 4867332 (VCV004867332.1).

ClinVar aggregate classification (germline): Uncertain significance (1 of 4 stars; one submission).

Conditions:
Inborn genetic diseases. Identifiers: MedGen C0950123, MeSH D030342.

gnomAD v4.1: 2 of 1,613,842 alleles (0.00012%); highest among the groups gnomAD compares: African/African-American, 0.0027%; no homozygotes.

Submission:

Ambry Genetics
Classification: Uncertain significance for Inborn genetic diseases. Last evaluated: 2026-04-16. Review status: criteria provided, single submitter. Criteria: Ambry Variant Classification Scheme 2023. Collection method: clinical testing. Allele origin: germline.
Comment: The c.1094T>C (p.L365P) alteration is located in exon 12 (coding exon 12) of the ACTL6B gene. This alteration results from a T to C substitution at nucleotide position 1094, causing the leucine (L) at amino acid position 365 to be replaced by a proline (P). Based on data from gnomAD, the C allele has an overall frequency of 0.001% (2/282576) total alleles studied. The highest observed frequency was 0.008% (2/24920) of African alleles. Based on insufficient or conflicting evidence, the clinical significance of this alteration remains unclear.